The following is an entry in ClinVar:

ClinVar aggregate classification (germline): Pathogenic. Review status: criteria provided, multiple submitters, no conflicts (2 of 4 stars). 6 submissions from 6 submitters: Pathogenic (6). Last evaluated 2025-10-20.

Conditions:
Aplastic anemia. Identifiers: Orphanet 182040, Orphanet 88, MedGen C0002874, MONDO:0015909, OMIM 609135, HP:0001915.
Microcephaly, normal intelligence and immunodeficiency (NBS). Also called: IMMUNODEFICIENCY, MICROCEPHALY, AND CHROMOSOMAL INSTABILITY; SEEMANOVA SYNDROME II; Immunodeficiency, microcephaly with normal intelligence; Ataxia telangiectasia variant V1; Nijmegen breakage syndrome; Microcephaly with normal intelligence immunodeficiency and lymphoreticular malignancies. Identifiers: Orphanet 647, MedGen C0398791, MONDO:0009623, OMIM 251260.
Acute lymphoid leukemia (ALL). Also called: Acute lymphoblastic leukemia; Acute lymphocytic leukemia; Lymphoblastic leukemia; Leukemia, acute lymphoblastic, somatic. Identifiers: Orphanet 513, MedGen C0023449, MONDO:0004967, OMIM 613065, HP:0006721.
Hereditary cancer-predisposing syndrome. Also called: Hereditary neoplastic syndrome; Neoplastic Syndromes, Hereditary; Tumor predisposition; Hereditary Cancer Syndrome. Identifiers: Orphanet 140162, MedGen C0027672, MeSH D009386, MONDO:0015356.

Submissions (6):

Labcorp Genetics (formerly Invitae), Labcorp
Classification: Pathogenic for Microcephaly, normal intelligence and immunodeficiency. Last evaluated: 2025-10-20. Review status: criteria provided, single submitter. Criteria: Invitae Variant Classification Sherloc (09022015). Collection method: clinical testing. Allele origin: germline.
Comment: This sequence change affects a splice site in intron 10 of the NBN gene. RNA analysis indicates that disruption of this splice site induces altered splicing and may result in an absent or altered protein product. This variant is not present in population databases (gnomAD no frequency). Disruption of this splice site has been observed in individual(s) with breast cancer (PMID: 9590180, 16415040, 27616075). ClinVar contains an entry for this variant (Variation ID: 411756). Studies have shown that disruption of this splice site results in activation of a cryptic splice site, and produces a non-functional protein and/or introduces a premature termination codon (PMID: 27616075; internal data). For these reasons, this variant has been classified as Pathogenic.

Baylor Genetics
Classification: Pathogenic for Aplastic anemia. Last evaluated: 2023-08-31. Review status: criteria provided, single submitter. Criteria: ACMG Guidelines, 2015. Collection method: clinical testing. Allele origin: unknown.

Ambry Genetics
Classification: Pathogenic for Hereditary cancer-predisposing syndrome. Last evaluated: 2023-05-01. Review status: criteria provided, single submitter. Criteria: Ambry Variant Classification Scheme 2023. Collection method: clinical testing. Allele origin: germline.
Comment: The c.1397+1delG intronic pathogenic mutation results from a deletion of the first nucleotide after coding exon 10 of the NBN gene. Authors performed RT-PCR analysis on patient mRNA and demonstrated that the NBN c.1397+1delG mutation caused aberrant splicing, resulting in an out-of-frame deletion in coding exon 10. This variant is considered to be rare based on population cohorts in the Genome Aggregation Database (gnomAD). This nucleotide position is highly conserved in available vertebrate species. In silico splice site analysis predicts that this alteration will weaken the native splice donor site and may result in the creation or strengthening of a novel splice donor site. RNA studies have demonstrated that this alteration results in abnormal splicing in the set of samples tested (Ambry internal data). Based on the supporting evidence, this alteration is interpreted as a disease-causing mutation.

Fulgent Genetics
Classification: Pathogenic for Microcephaly, normal intelligence and immunodeficiency; Aplastic anemia; Acute lymphoid leukemia. Last evaluated: 2022-05-23. Review status: criteria provided, single submitter. Criteria: ACMG Guidelines, 2015. Collection method: clinical testing. Allele origin: unknown.

Genome-Nilou Lab
Classification: Pathogenic for Microcephaly, normal intelligence and immunodeficiency. Last evaluated: 2021-11-07. Review status: criteria provided, single submitter. Criteria: ACMG Guidelines, 2015. Collection method: clinical testing. Allele origin: germline. Affected: no.

GeneDx
Classification: Pathogenic. Last evaluated: 2021-05-17. Review status: criteria provided, single submitter. Criteria: GeneDx Variant Classification Process June 2021. Collection method: clinical testing. Allele origin: germline. Affected: yes.
Comment: Canonical splice site variant resulting in aberrant splicing, leading to an out-of-frame deletion at the end of exon 10 (Kraus 2017); Not observed in large population cohorts (Lek 2016); Observed in individuals with a personal and/or family history of breast and/or ovarian cancer (Crawford 2017, Kraus 2017); This variant is associated with the following publications: (PMID: 27616075, 28281021)

Literature cited by the submitters: PubMed 9590180 (cited by Labcorp Genetics (formerly Invitae), Labcorp); PubMed 16415040 (cited by Labcorp Genetics (formerly Invitae), Labcorp); PubMed 27616075 (cited by Labcorp Genetics (formerly Invitae), Labcorp and Ambry Genetics).

NM_002485.5(NBN):c.1397+1del

Gene: NBN (nibrin; minus strand). Cytogenetic location: 8q21.3.
Variant type: Deletion.
Coding change: c.1397+1del on transcript NM_002485.5 (MANE Select); the canonical splice donor site of the intron after coding-DNA position 1397, one base deleted (G; older notation c.1397+1delG).
Molecular consequence: splice donor variant.
Genome position (GRCh38, 1-based): chr8:89,955,282, C deleted on the plus strand (G on the coding strand, the reverse complement: NBN is on the minus strand); the first of 2 consecutive C bases (chr8:89,955,282-89,955,283); deleting either gives the same sequence. VCF-style (leftmost placement, unchanged base first): chr8-89955281-AC-A. GRCh37 (hg19) VCF-style: chr8-90967509-AC-A.
Other names: c.1397+1delG (NM_002485.4); c.1151+1del (NM_001024688.3).
Identifiers: ClinVar variation 411756 (VCV000411756.21), dbSNP rs1060503467, ClinGen allele CA16612538.